The following is an entry in ClinVar:

NC_000002.11:g.(?_166858962)_(166859283_?)del

Gene: SCN1A (sodium voltage-gated channel alpha subunit 1; minus strand). Cytogenetic location: 2q24.3.
Variant type: Deletion.
Identifiers: ClinVar variation 1458645 (VCV001458645.7).

ClinVar aggregate classification (germline): Pathogenic (1 of 4 stars; one submission).

Conditions:
Developmental and epileptic encephalopathy. Identifiers: MedGen C5779964, MONDO:0100620.

Submission:

Labcorp Genetics (formerly Invitae), Labcorp
Classification: Pathogenic for Early-infantile DEE. Last evaluated: 2020-12-27. Review status: criteria provided, single submitter. Criteria: Invitae Variant Classification Sherloc (09022015). Collection method: clinical testing. Allele origin: germline.
Comment: For these reasons, this variant has been classified as Pathogenic. This variant disrupts the p.Val1428 amino acid residue in SCN1A. Other variant(s) that disrupt this residue have been determined to be pathogenic (Invitae). This suggests that this residue is clinically significant, and that variants that disrupt this residue are likely to be disease-causing. A similar copy number variant has been observed in individual(s) with Dravet syndrome (PMID: 19400878). This variant is a gross deletion of the genomic region encompassing exon(s) 21 of the SCN1A gene. This variant would be expected to be in-frame, preserving the integrity of the reading frame.

Literature cited by the submitters: PubMed 19400878.